The following is an entry in ClinVar:

NM_001349253.2(SCN11A):c.3154A>G (p.Ile1052Val)

Gene: SCN11A (sodium voltage-gated channel alpha subunit 11; minus strand). Cytogenetic location: 3p22.2.
Variant type: single nucleotide variant.
Coding change: c.3154A>G on transcript NM_001349253.2 (MANE Select); coding-DNA position 3154, A replaced by G.
Protein change: p.Ile1052Val; replaces isoleucine 1052 with valine.
Molecular consequence: missense variant.
Genome position (GRCh38, 1-based): chr3:38,883,298, T>C on the plus strand (A>G on the coding strand, the complement: SCN11A is on the minus strand). VCF-style: chr3-38883298-T-C. GRCh37 (hg19) VCF-style: chr3-38924789-T-C.
Other names: c.3154A>G, p.Ile1052Val (NM_014139.3); short protein forms I1052V.
Identifiers: ClinVar variation 3752808 (VCV003752808.2).
Genomic context (GRCh38, chr3:38,883,298, plus strand): 5'-CCCCACTGCTCAGCAGAATCACAAAGATAATAAAGCTCTCAAACCAGCTGTGTTTCACTA[T>C]TTGGTAGCAGGTTTTCCGCAGGTTCCACCAAATGACCCAGGGAGGCTTTCTCTTGTCCAC-3'
Protein context (NP_001336182.1, residues 1042-1062): WWNLRKTCYQ[Ile1052Val]VKHSWFESFI

ClinVar aggregate classification (germline): Uncertain significance (1 of 4 stars; one submission).

Conditions:
Hereditary sensory and autonomic neuropathy type 7. Also called: HSAN VII; Neuropathy, hereditary sensory and autonomic, type VII. Identifiers: Orphanet 391397, MedGen C3809882, MONDO:0014244, OMIM 615548.
Familial episodic pain syndrome with predominantly lower limb involvement. Also called: Episodic pain syndrome, familial, 3. Identifiers: Orphanet 391384, Orphanet 391392, MedGen C3809899, MONDO:0014247, OMIM 615552.

Submission:

Labcorp Genetics (formerly Invitae), Labcorp
Classification: Uncertain significance for Familial episodic pain syndrome with predominantly lower limb involvement; Hereditary sensory and autonomic neuropathy type 7. Last evaluated: 2024-09-09. Review status: criteria provided, single submitter. Criteria: Invitae Variant Classification Sherloc (09022015). Collection method: clinical testing. Allele origin: germline.
Comment: This sequence change replaces isoleucine, which is neutral and non-polar, with valine, which is neutral and non-polar, at codon 1052 of the SCN11A protein (p.Ile1052Val). This variant is not present in population databases (gnomAD no frequency). This variant has not been reported in the literature in individuals affected with SCN11A-related conditions. Invitae Evidence Modeling of protein sequence and biophysical properties (such as structural, functional, and spatial information, amino acid conservation, physicochemical variation, residue mobility, and thermodynamic stability) indicates that this missense variant is not expected to disrupt SCN11A protein function with a negative predictive value of 80%. In summary, the available evidence is currently insufficient to determine the role of this variant in disease. Therefore, it has been classified as a Variant of Uncertain Significance.